The following is an entry in ClinVar:

NM_145290.4(ADGRA3):c.3167C>G (p.Ala1056Gly)

Gene: ADGRA3 (adhesion G protein-coupled receptor A3; minus strand). Cytogenetic location: 4p15.2.
Variant type: single nucleotide variant.
Coding change: c.3167C>G on transcript NM_145290.4 (MANE Select); coding-DNA position 3167, C replaced by G.
Protein change: p.Ala1056Gly; replaces alanine 1056 with glycine.
Molecular consequence: missense variant.
Genome position (GRCh38, 1-based): chr4:22,388,504, G>C on the plus strand (C>G on the coding strand, the complement: ADGRA3 is on the minus strand). VCF-style: chr4-22388504-G-C. GRCh37 (hg19) VCF-style: chr4-22390127-G-C.
Other names: short protein forms A1056G.
Identifiers: ClinVar variation 3646400 (VCV003646400.2).

ClinVar aggregate classification (germline): Uncertain significance (1 of 4 stars; one submission).

gnomAD v4.1: 4 of 1,614,064 alleles (0.00025%); highest among the groups gnomAD compares: African/African-American, 0.0013%; no homozygotes.

Submission:

Labcorp Genetics (formerly Invitae), Labcorp
Classification: Uncertain significance. Last evaluated: 2025-09-15. Review status: criteria provided, single submitter. Criteria: Invitae Variant Classification Sherloc (09022015). Collection method: clinical testing. Allele origin: germline.
Comment: This sequence change replaces alanine, which is neutral and non-polar, with glycine, which is neutral and non-polar, at codon 1056 of the ADGRA3 protein (p.Ala1056Gly). This variant is not present in population databases (gnomAD no frequency). This variant has not been reported in the literature in individuals affected with ADGRA3-related conditions. ClinVar contains an entry for this variant (Variation ID: 3646400). An algorithm developed to predict the effect of missense changes on protein structure and function (PolyPhen-2) suggests that this variant is likely to be tolerated. In summary, the available evidence is currently insufficient to determine the role of this variant in disease. Therefore, it has been classified as a Variant of Uncertain Significance.